The following is an entry in ClinVar:

ClinVar aggregate classification (germline): Likely benign. Review status: criteria provided, multiple submitters, no conflicts (2 of 4 stars). 2 submissions from 2 submitters: Likely benign (2). Last evaluated 2025-09-09.

Conditions:
Autosomal recessive limb-girdle muscular dystrophy type 2J (LGMDR10). Also called: MUSCULAR DYSTROPHY, LIMB-GIRDLE, AUTOSOMAL RECESSIVE 10; Limb-girdle muscular dystrophy, type 2J. Identifiers: Orphanet 140922, MedGen C1837342, MONDO:0012127, OMIM 608807.
Dilated cardiomyopathy 1G (CMD1G). Identifiers: Orphanet 154, MedGen C1858763, MONDO:0011400, OMIM 604145.

Allele frequency attached by ClinVar (database versions not stated): gnomAD exomes 0.00001 and 0.00002; TOPMed 0.00001.
gnomAD v4.1: 25 of 1,585,590 alleles (0.0016%); highest among the groups gnomAD compares: South Asian, 0.015%; no homozygotes.

Submissions (2):

Labcorp Genetics (formerly Invitae), Labcorp
Classification: Likely benign for Dilated cardiomyopathy 1G; Autosomal recessive limb-girdle muscular dystrophy type 2J. Last evaluated: 2025-09-09. Review status: criteria provided, single submitter. Criteria: Invitae Variant Classification Sherloc (09022015). Collection method: clinical testing. Allele origin: germline.

GeneDx
Classification: Likely benign. Last evaluated: 2017-12-11. Review status: criteria provided, single submitter. Criteria: GeneDx Variant Classification (06012015). Collection method: clinical testing. Allele origin: germline. Affected: yes.
Comment: This variant is considered likely benign or benign based on one or more of the following criteria: it is a conservative change, it occurs at a poorly conserved position in the protein, it is predicted to be benign by multiple in silico algorithms, and/or has population frequency not consistent with disease.

NM_001267550.2(TTN):c.94219+11T>C

Genes: TTN-AS1 (TTN antisense RNA 1; plus strand), TTN (titin; minus strand). Cytogenetic location: 2q31.2.
Variant type: single nucleotide variant.
Coding change: c.94219+11T>C on transcript NM_001267550.2 (MANE Select); 11 bases into the intron after coding-DNA position 94219, T replaced by C.
Molecular consequence: intron variant.
Genome position (GRCh38, 1-based): chr2:178,547,396, A>G on the plus strand (T>C on the coding strand, the complement: TTN is on the minus strand). VCF-style: chr2-178547396-A-G. GRCh37 (hg19) VCF-style: chr2-179412123-A-G.
Other names: c.89296+11T>C (NM_001256850.1); c.67024+11T>C (NM_003319.4); c.67600+11T>C (NM_133437.4); c.67399+11T>C (NM_133432.3); c.86515+11T>C (NM_133378.4).
Identifiers: ClinVar variation 514107 (VCV000514107.6), dbSNP rs1184310421, ClinGen allele CA430242574.